The following is an entry in ClinVar:

NM_001111.5(ADAR):c.2297G>T (p.Gly766Val)

Gene: ADAR (adenosine deaminase RNA specific; minus strand). Cytogenetic location: 1q21.3.
Variant type: single nucleotide variant.
Coding change: c.2297G>T on transcript NM_001111.5 (MANE Select); coding-DNA position 2297, G replaced by T.
Protein change: p.Gly766Val; replaces glycine 766 with valine.
Molecular consequence: missense variant.
Genome position (GRCh38, 1-based): chr1:154,590,383, C>A on the plus strand (G>T on the coding strand, the complement: ADAR is on the minus strand). VCF-style: chr1-154590383-C-A. GRCh37 (hg19) VCF-style: chr1-154562859-C-A.
Other names: c.2324G>T, p.Gly775Val (NM_001365045.1); c.1412G>T, p.Gly471Val (NM_001365046.1, NM_001365047.1, NM_001365048.1 and 3 more transcripts); c.2297G>T, p.Gly766Val (NM_015840.4); c.2240G>T, p.Gly747Val (NM_015841.4); short protein forms G471V, G747V, G766V, G775V.
Identifiers: ClinVar variation 3756648 (VCV003756648.2).

ClinVar aggregate classification (germline): Uncertain significance (1 of 4 stars; one submission).

Conditions:
Symmetrical dyschromatosis of extremities (DSH). Also called: DYSCHROMATOSIS SYMMETRICA HEREDITARIA 1; RETICULATE ACROPIGMENTATION OF DOHI; SYMMETRIC DYSCHROMATOSIS OF THE EXTREMITIES; Dyschromatosis symmetrica hereditaria. Identifiers: Orphanet 41, MedGen C0406775, MONDO:0007483, OMIM 127400.
Aicardi-Goutieres syndrome 6 (AGS6). Identifiers: Orphanet 51, MedGen C3539013, MONDO:0014007, OMIM 615010.

Submission:

Labcorp Genetics (formerly Invitae), Labcorp
Classification: Uncertain significance for Aicardi-Goutieres syndrome 6; Symmetrical dyschromatosis of extremities. Last evaluated: 2024-06-04. Review status: criteria provided, single submitter. Criteria: Invitae Variant Classification Sherloc (09022015). Collection method: clinical testing. Allele origin: germline.
Comment: This sequence change replaces glycine, which is neutral and non-polar, with valine, which is neutral and non-polar, at codon 766 of the ADAR protein (p.Gly766Val). This variant is not present in population databases (gnomAD no frequency). This variant has not been reported in the literature in individuals affected with ADAR-related conditions. Advanced modeling of protein sequence and biophysical properties (such as structural, functional, and spatial information, amino acid conservation, physicochemical variation, residue mobility, and thermodynamic stability) has been performed at Invitae for this missense variant, however the output from this modeling did not meet the statistical confidence thresholds required to predict the impact of this variant on ADAR protein function. In summary, the available evidence is currently insufficient to determine the role of this variant in disease. Therefore, it has been classified as a Variant of Uncertain Significance.